The following is an entry in ClinVar:

ClinVar aggregate classification (germline): Uncertain significance (1 of 4 stars; one submission).

Allele frequency attached by ClinVar (database versions not stated): gnomAD exomes below 0.00001.
gnomAD v4.1: 1 of 1,608,712 alleles (0.000062%); highest among the groups gnomAD compares: Admixed American, 0.0017%; no homozygotes.

Submission:

Labcorp Genetics (formerly Invitae), Labcorp
Classification: Uncertain significance. Last evaluated: 2025-11-24. Review status: criteria provided, single submitter. Criteria: Invitae Variant Classification Sherloc (09022015). Collection method: clinical testing. Allele origin: germline.
Comment: This sequence change replaces glycine, which is neutral and non-polar, with arginine, which is basic and polar, at codon 490 of the PITPNM3 protein (p.Gly490Arg). This variant is not present in population databases (gnomAD no frequency). This variant has not been reported in the literature in individuals affected with PITPNM3-related conditions. ClinVar contains an entry for this variant (Variation ID: 3010794). Invitae Evidence Modeling of protein sequence and biophysical properties (such as structural, functional, and spatial information, amino acid conservation, physicochemical variation, residue mobility, and thermodynamic stability) indicates that this missense variant is not expected to disrupt PITPNM3 protein function with a negative predictive value of 80%. In summary, the available evidence is currently insufficient to determine the role of this variant in disease. Therefore, it has been classified as a Variant of Uncertain Significance.

NM_031220.4(PITPNM3):c.1468G>C (p.Gly490Arg)

Gene: PITPNM3 (PITPNM family member 3; minus strand). Cytogenetic location: 17p13.2.
Variant type: single nucleotide variant.
Coding change: c.1468G>C on transcript NM_031220.4 (MANE Select); coding-DNA position 1468, G replaced by C.
Protein change: p.Gly490Arg; replaces glycine 490 with arginine.
Molecular consequence: missense variant.
Genome position (GRCh38, 1-based): chr17:6,471,317, C>G on the plus strand (G>C on the coding strand, the complement: PITPNM3 is on the minus strand). VCF-style: chr17-6471317-C-G. GRCh37 (hg19) VCF-style: chr17-6374637-C-G.
Other names: c.1360G>C, p.Gly454Arg (NM_001165966.2); short protein forms G490R, G454R.
Identifiers: ClinVar variation 3010794 (VCV003010794.3), dbSNP rs2543999270, ClinGen allele CA397405441.